The following is an entry in ClinVar:

NM_000051.4(ATM):c.4265del (p.Ile1422fs)

Gene: ATM (ATM serine/threonine kinase; plus strand). Cytogenetic location: 11q22.3.
Variant type: Deletion.
Coding change: c.4265del on transcript NM_000051.4 (MANE Select); coding-DNA position 4265, one base deleted (T; older notation c.4265delT).
Protein change: p.Ile1422fs; shifts the reading frame from isoleucine 1422.
Molecular consequence: frameshift variant.
Genome position (GRCh38, 1-based): chr11:108,289,630, T deleted. VCF-style (leftmost placement, unchanged base first): chr11-108289629-AT-A. GRCh37 (hg19) VCF-style: chr11-108160356-AT-A.
Other names: c.4265del, p.Ile1422fs (NM_001351834.2); short protein forms I1422fs.
Identifiers: ClinVar variation 4170039 (VCV004170039.1).

ClinVar aggregate classification (germline): Pathogenic (1 of 4 stars; one submission).

Conditions:
Hereditary cancer-predisposing syndrome. Also called: Neoplastic Syndromes, Hereditary; Tumor predisposition; Hereditary Cancer Syndrome; Hereditary neoplastic syndrome. Identifiers: Orphanet 140162, MedGen C0027672, MeSH D009386, MONDO:0015356.

Submission:

Ambry Genetics
Classification: Pathogenic for Hereditary cancer-predisposing syndrome. Last evaluated: 2025-08-18. Review status: criteria provided, single submitter. Criteria: Ambry Variant Classification Scheme 2023. Collection method: clinical testing. Allele origin: germline.
Comment: The c.4265delT pathogenic mutation, located in coding exon 28 of the ATM gene, results from a deletion of one nucleotide at nucleotide position 4265, causing a translational frameshift with a predicted alternate stop codon (p.I1422Nfs*29). This variant is considered to be rare based on population cohorts in the Genome Aggregation Database (gnomAD). This alteration is expected to result in loss of function by premature protein truncation or nonsense-mediated mRNA decay. As such, this alteration is interpreted as a disease-causing mutation.